The following is an entry in ClinVar:

NM_025137.4(SPG11):c.2108A>C (p.Glu703Ala)

Gene: SPG11 (SPG11 vesicle trafficking associated, spatacsin; minus strand). Cytogenetic location: 15q21.1.
Variant type: single nucleotide variant.
Coding change: c.2108A>C on transcript NM_025137.4 (MANE Select); coding-DNA position 2108, A replaced by C.
Protein change: p.Glu703Ala; replaces glutamic acid 703 with alanine.
Molecular consequence: missense variant.
Genome position (GRCh38, 1-based): chr15:44,626,467, T>G on the plus strand (A>C on the coding strand, the complement: SPG11 is on the minus strand). VCF-style: chr15-44626467-T-G. GRCh37 (hg19) VCF-style: chr15-44918665-T-G.
Other names: c.2108A>C, p.Glu703Ala (NM_001160227.2, NM_001411132.1); short protein forms E703A.
Identifiers: ClinVar variation 4173551 (VCV004173551.3).

ClinVar aggregate classification (germline): Uncertain significance. Review status: criteria provided, multiple submitters, no conflicts (2 of 4 stars). 2 submissions from 2 submitters: Uncertain significance (2). Last evaluated 2025-08-08.

Conditions:
Inborn genetic diseases. Identifiers: MedGen C0950123, MeSH D030342.

Submissions (2):

Ambry Genetics
Classification: Uncertain significance for Inborn genetic diseases. Last evaluated: 2025-08-08. Review status: criteria provided, single submitter. Criteria: Ambry Variant Classification Scheme 2023. Collection method: clinical testing. Allele origin: germline.

Dasa
Classification: Uncertain significance. Last evaluated: 2025-07-04. Review status: criteria provided, single submitter. Criteria: DASA Assertion Criteria. Collection method: clinical testing. Allele origin: germline.
Comment: NM_025137.4(SPG11):c.2108A>C (p.Glu703Ala) is a missense variant that results in the substitution of glutamic acid with alanine. This variant is absent from population databases. Computational prediction algorithms are consistent with a benign effect. The currently available literature and clinical evidence are not sufficient to establish a definitive association between this variant and the reported condition. Therefore, this variant is classified as a variant of uncertain significance.